The following is an entry in ClinVar:

ClinVar aggregate classification (germline): Uncertain significance (1 of 4 stars; one submission).

Conditions:
Inborn genetic diseases. Identifiers: MedGen C0950123, MeSH D030342.

gnomAD v4.1: 1 of 1,613,878 alleles (0.000062%); no homozygotes.

Submission:

Ambry Genetics
Classification: Uncertain significance for Inborn genetic diseases. Last evaluated: 2025-11-08. Review status: criteria provided, single submitter. Criteria: Ambry Variant Classification Scheme 2023. Collection method: clinical testing. Allele origin: germline.
Comment: The p.A65E variant (also known as c.194C>A), located in coding exon 1 of the SAMD9L gene, results from a C to A substitution at nucleotide position 194. The alanine at codon 65 is replaced by glutamic acid, an amino acid with dissimilar properties. This amino acid position is conserved. In addition, the in silico prediction for this alteration is inconclusive. Based on the available evidence, the clinical significance of this variant remains unclear.

NM_152703.5(SAMD9L):c.194C>A (p.Ala65Glu)

Gene: SAMD9L (sterile alpha motif domain containing 9 like; minus strand). Cytogenetic location: 7q21.2.
Variant type: single nucleotide variant.
Coding change: c.194C>A on transcript NM_152703.5 (MANE Select); coding-DNA position 194, C replaced by A.
Protein change: p.Ala65Glu; replaces alanine 65 with glutamic acid.
Molecular consequence: missense variant.
Genome position (GRCh38, 1-based): chr7:93,135,778, G>T on the plus strand (C>A on the coding strand, the complement: SAMD9L is on the minus strand). VCF-style: chr7-93135778-G-T. GRCh37 (hg19) VCF-style: chr7-92765091-G-T.
Other names: c.194C>A, p.Ala65Glu (NM_001303496.3, NM_001303497.3, NM_001303498.3 and 5 more transcripts); short protein forms A65E.
Identifiers: ClinVar variation 4630098 (VCV004630098.1).